The following is an entry in ClinVar:

ClinVar aggregate classification (germline): Uncertain significance (1 of 4 stars; one submission).

Conditions:
Dilated cardiomyopathy 1G (CMD1G). Identifiers: Orphanet 154, MedGen C1858763, MONDO:0011400, OMIM 604145.
Autosomal recessive limb-girdle muscular dystrophy type 2J (LGMDR10). Also called: Limb-girdle muscular dystrophy, type 2J; MUSCULAR DYSTROPHY, LIMB-GIRDLE, AUTOSOMAL RECESSIVE 10. Identifiers: Orphanet 140922, MedGen C1837342, MONDO:0012127, OMIM 608807.

Allele frequency attached by ClinVar (database versions not stated): gnomAD exomes below 0.00001.
gnomAD v4.1: 1 of 1,613,094 alleles (0.000062%); highest among the groups gnomAD compares: Non-Finnish European, 0.000085%; no homozygotes.

Submission:

Labcorp Genetics (formerly Invitae), Labcorp
Classification: Uncertain significance for Dilated cardiomyopathy 1G; Autosomal recessive limb-girdle muscular dystrophy type 2J. Last evaluated: 2021-12-29. Review status: criteria provided, single submitter. Criteria: Invitae Variant Classification Sherloc (09022015). Collection method: clinical testing. Allele origin: germline.
Comment: This variant has not been reported in the literature in individuals affected with TTN-related conditions. This variant is not present in population databases (gnomAD no frequency). This sequence change replaces isoleucine, which is neutral and non-polar, with leucine, which is neutral and non-polar, at codon 35892 of the TTN protein (p.Ile35892Leu). Algorithms developed to predict the effect of missense changes on protein structure and function output the following: SIFT: "Not Available"; PolyPhen-2: "Not Available"; Align-GVGD: "Not Available". The leucine amino acid residue is found in multiple mammalian species, which suggests that this missense change does not adversely affect protein function. This variant is located in the M band of TTN (PMID: 25589632). Variants in this region may be relevant for neuromuscular disorders, but have not been definitively shown to cause cardiomyopathy (PMID: 23975875). In summary, the available evidence is currently insufficient to determine the role of this variant in disease. Therefore, it has been classified as a Variant of Uncertain Significance.

Literature cited by the submitters: PubMed 25589632; PubMed 23975875.

NM_001267550.2(TTN):c.107674A>C (p.Ile35892Leu)

Genes: TTN (titin; minus strand), TTN-AS1 (TTN antisense RNA 1; plus strand). Cytogenetic location: 2q31.2.
Variant type: single nucleotide variant.
Coding change: c.107674A>C on transcript NM_001267550.2 (MANE Select); coding-DNA position 107674, A replaced by C.
Protein change: p.Ile35892Leu; replaces isoleucine 35892 with leucine.
Molecular consequence: missense variant.
Genome position (GRCh38, 1-based): chr2:178,527,452, T>G on the plus strand (A>C on the coding strand, the complement: TTN is on the minus strand). VCF-style: chr2-178527452-T-G. GRCh37 (hg19) VCF-style: chr2-179392179-T-G.
Other names: c.102751A>C, p.Ile34251Leu (NM_001256850.1); c.80479A>C, p.Ile26827Leu (NM_003319.4); c.99970A>C, p.Ile33324Leu (NM_133378.4); c.80854A>C, p.Ile26952Leu (NM_133432.3); c.81055A>C, p.Ile27019Leu (NM_133437.4); short protein forms I26827L, I27019L, I33324L, I35892L, I26952L, I34251L.
Identifiers: ClinVar variation 2074084 (VCV002074084.4), dbSNP rs1426854550, ClinGen allele CA349399720.